The following is an entry in ClinVar:

ClinVar aggregate classification (germline): Uncertain significance (1 of 4 stars; one submission).

Conditions:
Birt-Hogg-Dube syndrome. Also called: Birt Hogg Dubé syndrome. Identifiers: Orphanet 122, MedGen C0346010, MONDO:0800444.

gnomAD v4.1: 3 of 152,106 alleles (0.002%); highest among the groups gnomAD compares: Admixed American, 0.02%; no homozygotes.

Submission:

Labcorp Genetics (formerly Invitae), Labcorp
Classification: Uncertain significance for Birt-Hogg-Dube syndrome. Last evaluated: 2025-08-27. Review status: criteria provided, single submitter. Criteria: Invitae Variant Classification Sherloc (09022015). Collection method: clinical testing. Allele origin: germline.
Comment: This sequence change falls in intron 11 of the FLCN gene. It does not directly change the encoded amino acid sequence of the FLCN protein. This variant is not present in population databases (gnomAD no frequency). This variant has not been reported in the literature in individuals affected with FLCN-related conditions. ClinVar contains an entry for this variant (Variation ID: 3630922). Studies have shown that this variant is associated with altered splicing resulting in multiple RNA products (internal data). In summary, the available evidence is currently insufficient to determine the role of this variant in disease. Therefore, it has been classified as a Variant of Uncertain Significance.

NM_144997.7(FLCN):c.1301-408G>A

Gene: FLCN (folliculin; minus strand). Cytogenetic location: 17p11.2.
Variant type: single nucleotide variant.
Coding change: c.1301-408G>A on transcript NM_144997.7 (MANE Select); 408 bases into the intron before coding-DNA position 1301, G replaced by A.
Molecular consequence: intron variant.
Genome position (GRCh38, 1-based): chr17:17,215,724, C>T on the plus strand (G>A on the coding strand, the complement: FLCN is on the minus strand). VCF-style: chr17-17215724-C-T. GRCh37 (hg19) VCF-style: chr17-17119038-C-T.
Other names: c.1301-408G>A (NM_001353230.2, NM_001353231.2); c.1355-408G>A (NM_001353229.2).
Identifiers: ClinVar variation 3630922 (VCV003630922.2).